The following is an entry in ClinVar:

ClinVar aggregate classification (germline): Uncertain significance (1 of 4 stars; one submission).

Conditions:
Primary ciliary dyskinesia. Also called: Ciliary dyskinesia. Identifiers: Orphanet 244, MedGen C0008780, MONDO:0016575, HP:0012265.

Submission:

Ambry Genetics
Classification: Uncertain significance for Primary ciliary dyskinesia. Last evaluated: 2022-06-12. Review status: criteria provided, single submitter. Criteria: Ambry Variant Classification Scheme 2023. Collection method: clinical testing. Allele origin: germline.
Comment: The p.K805T variant (also known as c.2414A>C), located in coding exon 18 of the CCDC39 gene, results from an A to C substitution at nucleotide position 2414. The lysine at codon 805 is replaced by threonine, an amino acid with similar properties. This amino acid position is conserved. In addition, the in silico prediction for this alteration is inconclusive. Since supporting evidence is limited at this time, the clinical significance of this alteration remains unclear.

NM_181426.2(CCDC39):c.2414A>C (p.Lys805Thr)

Genes: TTC14 (tetratricopeptide repeat domain 14; plus strand), CCDC39 (coiled-coil domain 39 molecular ruler complex subunit; minus strand). Cytogenetic location: 3q26.33.
Variant type: single nucleotide variant.
Coding change: c.2414A>C on transcript NM_181426.2 (MANE Select); coding-DNA position 2414, A replaced by C.
Protein change: p.Lys805Thr; replaces lysine 805 with threonine.
Molecular consequence: missense variant. On other transcripts: intron variant (1).
Genome position (GRCh38, 1-based): chr3:180,616,688, T>G on the plus strand (A>C on the coding strand, the complement: CCDC39 is on the minus strand). VCF-style: chr3-180616688-T-G. GRCh37 (hg19) VCF-style: chr3-180334476-T-G.
Other names: c.1775-692T>G (NM_001288582.2); short protein forms K805T.
Identifiers: ClinVar variation 1790920 (VCV001790920.2), dbSNP rs746421549, ClinGen allele CA88626408.